The following is an entry in ClinVar:

ClinVar aggregate classification (germline): Uncertain significance. Review status: criteria provided, multiple submitters, no conflicts (2 of 4 stars). 2 submissions from 2 submitters: Uncertain significance (2). Last evaluated 2021-12-02.

Conditions:
Mitochondrial DNA depletion syndrome 13. Also called: FBXL4-Related Encephalomyopathic Mitochondrial DNA Depletion Syndrome; Mitochondrial DNA depletion syndrome 13 (encephalomyopathic type). Identifiers: Orphanet 369897, MedGen C3809592, MONDO:0014198, OMIM 615471.

Allele frequency attached by ClinVar (database versions not stated): TOPMed 0.00003; ExAC 0.00001; gnomAD 0.00001 and 0.00002; gnomAD exomes 0.00001.
gnomAD v4.1: 11 of 1,613,810 alleles (0.00068%); highest among the groups gnomAD compares: African/African-American, 0.004%; no homozygotes.

Submissions (2):

Labcorp Genetics (formerly Invitae), Labcorp
Classification: Uncertain significance. Last evaluated: 2021-12-02. Review status: criteria provided, single submitter. Criteria: Invitae Variant Classification Sherloc (09022015). Collection method: clinical testing. Allele origin: germline.
Comment: This sequence change replaces alanine, which is neutral and non-polar, with threonine, which is neutral and polar, at codon 330 of the FBXL4 protein (p.Ala330Thr). The frequency data for this variant in the population databases is considered unreliable, as metrics indicate poor data quality at this position in the gnomAD database. This variant has not been reported in the literature in individuals affected with FBXL4-related conditions. ClinVar contains an entry for this variant (Variation ID: 437670). Advanced modeling of protein sequence and biophysical properties (such as structural, functional, and spatial information, amino acid conservation, physicochemical variation, residue mobility, and thermodynamic stability) performed at Invitae indicates that this missense variant is expected to disrupt FBXL4 protein function. In summary, the available evidence is currently insufficient to determine the role of this variant in disease. Therefore, it has been classified as a Variant of Uncertain Significance.

Wong Mito Lab, Molecular and Human Genetics, Baylor College of Medicine
Classification: Uncertain significance for Mitochondrial DNA depletion syndrome 13. Last evaluated: 2017-08-10. Review status: criteria provided, single submitter. Criteria: ACMG Guidelines, 2015. Collection method: reference population. Allele origin: germline.
Comment: The NM_012160.4:c.988G>A (NP_036292.2:p.Ala330Thr) [GRCH38: NC_000006.12:g.98905541C>T] variant in FBXL4 gene is interpretated to be a Uncertain Significance - Conflicting Evidence based on ACMG guidelines (PMID: 25741868). This variant meets one or more of the following evidence codes reported in the ACMG-guideline. PM2:This variant is absent in key population databases. BP4:Computational evidence/predictors indicate no impact on the FBXL4 structure, function, or protein-protein interaction. Based on this evidence code ClinGen Pathogenicity Calculator (PMID:28081714) suggested that the variant is Uncertain Significance - Conflicting Evidence.

NM_001278716.2(FBXL4):c.988G>A (p.Ala330Thr)

Gene: FBXL4 (F-box and leucine rich repeat protein 4; minus strand). Cytogenetic location: 6q16.2.
Variant type: single nucleotide variant.
Coding change: c.988G>A on transcript NM_001278716.2 (MANE Select); coding-DNA position 988, G replaced by A.
Protein change: p.Ala330Thr; replaces alanine 330 with threonine.
Molecular consequence: missense variant. On other transcripts: non-coding transcript variant (2).
Genome position (GRCh38, 1-based): chr6:98,905,541, C>T on the plus strand (G>A on the coding strand, the complement: FBXL4 is on the minus strand). VCF-style: chr6-98905541-C-T. GRCh37 (hg19) VCF-style: chr6-99353417-C-T.
Other names: c.988G>A, p.Ala330Thr (NM_012160.5); short protein forms A330T.
Identifiers: ClinVar variation 437670 (VCV000437670.6), dbSNP rs759851318, ClinGen allele CA3933568.
Genomic context (GRCh38, chr6:98,905,541, plus strand): 5'-GCCACTGGACAAGAGTGCAGCGAGACTGTAGAAATTCCAGAGAAGTGTCATCTAGTTTTG[C>T]CCAGTATGGTTGCAGATTGAGGTGGATGTATTGCAGAGGATCACAGCAATGCTGGCTCAG-3'
Protein context (NP_001265645.1, residues 320-340): YIHLNLQPYW[Ala330Thr]KLDDTSLEFL